The following is an entry in ClinVar:

NC_000022.10:g.(?_50885571)_(50913269_?)dup

Gene: SBF1 (SET binding factor 1; minus strand). Cytogenetic location: 22q13.33.
Variant type: Duplication.
Identifiers: ClinVar variation 2424579 (VCV002424579.3).

ClinVar aggregate classification (germline): Uncertain significance (1 of 4 stars; one submission).

Submission:

Labcorp Genetics (formerly Invitae), Labcorp
Classification: Uncertain significance. Last evaluated: 2022-07-10. Review status: criteria provided, single submitter. Criteria: Invitae Variant Classification Sherloc (09022015). Collection method: clinical testing. Allele origin: germline.
Comment: A copy number gain of the genomic region encompassing the full coding sequence of the SBF1 gene has been identified. The boundaries of this event are unknown as they extend beyond the assayed region for this gene and therefore may encompass additional genes. As the precise location of this event is unknown, it may be in tandem or it may be located elsewhere in the genome. This variant has not been reported in the literature in individuals affected with SBF1-related conditions. In summary, the available evidence is currently insufficient to determine the role of this variant in disease. Therefore, it has been classified as a Variant of Uncertain Significance.